The following is an entry in ClinVar:

ClinVar aggregate classification (germline): Likely pathogenic (1 of 4 stars; one submission).

Conditions:
ASCC3-related condition.

Submission:

PreventionGenetics, part of Exact Sciences
Classification: Likely pathogenic for ASCC3-related condition. Last evaluated: 2026-08-17. Review status: criteria provided, single submitter. Criteria: ACMG Guidelines, 2015. Collection method: clinical testing. Allele origin: germline.
Comment: The ASCC3 c.2972_2973insGA variant is predicted to result in a frameshift and premature protein termination (p.Tyr992Asnfs*24). To our knowledge, this variant has not been reported in the literature or in a large population database (gnomAD), indicating this variant is rare. Frameshift variants in ASCC3 are expected to be pathogenic. This variant is interpreted as likely pathogenic.

NM_006828.4(ASCC3):c.2972_2973insGA (p.Tyr992fs)

Gene: ASCC3 (activating signal cointegrator 1 complex subunit 3; minus strand). Cytogenetic location: 6q16.3.
Variant type: Insertion.
Coding change: c.2972_2973insGA on transcript NM_006828.4 (MANE Select); coding-DNA positions 2972 to 2973, GA inserted.
Protein change: p.Tyr992fs; shifts the reading frame from tyrosine 992.
Molecular consequence: frameshift variant.
Genome position: GRCh38 VCF-style: chr6-100652740-T-TTC. GRCh37 (hg19) VCF-style: chr6-101100616-T-TTC.
Other names: short protein forms Y992fs.
Identifiers: ClinVar variation 4996246 (VCV004996246.1).